The following is an entry in ClinVar:

NM_000430.4(PAFAH1B1):c.1011del (p.His337fs)

Gene: PAFAH1B1 (platelet activating factor acetylhydrolase 1b regulatory subunit 1; plus strand). Cytogenetic location: 17p13.3.
Variant type: Deletion.
Coding change: c.1011del on transcript NM_000430.4 (MANE Select); coding-DNA position 1011, one base deleted (T; older notation c.1011delT).
Protein change: p.His337fs; shifts the reading frame from histidine 337.
Molecular consequence: frameshift variant.
Genome position (GRCh38, 1-based): chr17:2,680,172, T deleted. VCF-style (leftmost placement, unchanged base first): chr17-2680171-AT-A. GRCh37 (hg19) VCF-style: chr17-2583465-AT-A.
Other names: short protein forms H337fs.
Identifiers: ClinVar variation 1398381 (VCV001398381.6), dbSNP rs2151673826, ClinGen allele CA2573153019.

ClinVar aggregate classification (germline): Pathogenic (1 of 4 stars; one submission).

Submission:

Labcorp Genetics (formerly Invitae), Labcorp
Classification: Pathogenic. Last evaluated: 2024-02-23. Review status: criteria provided, single submitter. Criteria: Invitae Variant Classification Sherloc (09022015). Collection method: clinical testing. Allele origin: germline.
Comment: This sequence change creates a premature translational stop signal (p.His337Glnfs*18) in the PAFAH1B1 gene. It is expected to result in an absent or disrupted protein product. Loss-of-function variants in PAFAH1B1 are known to be pathogenic (PMID: 1671808, 11115846, 14581661). This variant is not present in population databases (gnomAD no frequency). This variant has not been reported in the literature in individuals affected with PAFAH1B1-related conditions. ClinVar contains an entry for this variant (Variation ID: 1398381). For these reasons, this variant has been classified as Pathogenic.

Literature cited by the submitters: PubMed 1671808; PubMed 11115846; PubMed 14581661.